The following is an entry in ClinVar:

ClinVar aggregate classification (germline): Uncertain significance. Review status: criteria provided, multiple submitters, no conflicts (2 of 4 stars). 2 submissions from 2 submitters: Uncertain significance (2). Last evaluated 2022-02-28.

Conditions:
Breast-ovarian cancer, familial, susceptibility to, 5 (BROVCA5). Identifiers: MedGen C5830615, MONDO:0957530, OMIM 620442.

Submissions (2):

Department of Pathology and Laboratory Medicine, Sinai Health System
Classification: Uncertain significance for Breast-ovarian cancer, familial, susceptibility to, 5. Last evaluated: 2022-02-28. Review status: criteria provided, single submitter. Criteria: ACMG Guidelines, 2015. Collection method: clinical testing. Allele origin: germline. Affected: yes.

GeneDx
Classification: Uncertain significance. Last evaluated: 2016-11-03. Review status: criteria provided, single submitter. Criteria: GeneDx Variant Classification (06012015). Collection method: clinical testing. Allele origin: germline. Affected: yes.
Comment: This variant is denoted PALB2 c.1184C>T at the cDNA level, p.Ser395Phe (S395F) at the protein level, and results in the change of a Serine to a Phenylalanine (TCT>TTT). This variant has not, to our knowledge, been published in the literature as pathogenic or benign. PALB2 Ser395Phe was not observed in approximately 6,500 individuals of European and African American ancestry in the NHLBI Exome Sequencing Project, suggesting it is not a common benign variant in these populations. Since Serine and Phenylalanine differ in polarity, charge, size or other properties, this is considered a non-conservative amino acid substitution. PALB2 Ser395Phe occurs at a position that is conserved across species and is located in the DNA-binding region and the region required for chromatin association (UniProt) In silico analyses predict that this variant is probably damaging to protein structure and function. Based on currently available evidence, it is unclear whether PALB2 Ser395Phe is a pathogenic or benign variant. We consider it to be a variant of uncertain significance.

NM_024675.4(PALB2):c.1184C>T (p.Ser395Phe)

Gene: PALB2 (partner and localizer of BRCA2; minus strand). Cytogenetic location: 16p12.2.
Variant type: single nucleotide variant.
Coding change: c.1184C>T on transcript NM_024675.4 (MANE Select); coding-DNA position 1184, C replaced by T.
Protein change: p.Ser395Phe; replaces serine 395 with phenylalanine.
Molecular consequence: missense variant.
Genome position (GRCh38, 1-based): chr16:23,635,362, G>A on the plus strand (C>T on the coding strand, the complement: PALB2 is on the minus strand). VCF-style: chr16-23635362-G-A. GRCh37 (hg19) VCF-style: chr16-23646683-G-A.
Other names: short protein forms S395F.
Identifiers: ClinVar variation 422703 (VCV000422703.3), dbSNP rs764796329, ClinGen allele CA16620150.